The following is an entry in ClinVar:

ClinVar aggregate classification (germline): Uncertain significance (1 of 4 stars; one submission).

Conditions:
Hereditary cancer-predisposing syndrome. Also called: Tumor predisposition; Hereditary neoplastic syndrome; Neoplastic Syndromes, Hereditary; Hereditary Cancer Syndrome. Identifiers: Orphanet 140162, MedGen C0027672, MeSH D009386, MONDO:0015356.

Submission:

Ambry Genetics
Classification: Uncertain significance for Hereditary cancer-predisposing syndrome. Last evaluated: 2025-05-22. Review status: criteria provided, single submitter. Criteria: Ambry Variant Classification Scheme 2023. Collection method: clinical testing. Allele origin: germline.
Comment: The p.I164L variant (also known as c.490A>C), located in coding exon 3 of the CDK4 gene, results from an A to C substitution at nucleotide position 490. The isoleucine at codon 164 is replaced by leucine, an amino acid with highly similar properties. This amino acid position is well conserved in available vertebrate species. In addition, this alteration is predicted to be tolerated by in silico analysis. Based on the available evidence, the clinical significance of this variant remains unclear.

NM_000075.4(CDK4):c.490A>C (p.Ile164Leu)

Gene: CDK4 (cyclin dependent kinase 4; minus strand). Cytogenetic location: 12q14.1.
Variant type: single nucleotide variant.
Coding change: c.490A>C on transcript NM_000075.4 (MANE Select); coding-DNA position 490, A replaced by C.
Protein change: p.Ile164Leu; replaces isoleucine 164 with leucine.
Molecular consequence: missense variant.
Genome position (GRCh38, 1-based): chr12:57,750,955, T>G on the plus strand (A>C on the coding strand, the complement: CDK4 is on the minus strand). VCF-style: chr12-57750955-T-G. GRCh37 (hg19) VCF-style: chr12-58144738-T-G.
Other names: short protein forms I164L.
Identifiers: ClinVar variation 3999645 (VCV003999645.1).